The following is an entry in ClinVar:

ClinVar aggregate classification (germline): Uncertain significance. Review status: criteria provided, multiple submitters, no conflicts (2 of 4 stars). 2 submissions from 2 submitters: Uncertain significance (2). Last evaluated 2025-11-26.

Conditions:
Inborn genetic diseases. Identifiers: MedGen C0950123, MeSH D030342.
Myasthenic syndrome, congenital, 22 (CMS22). Also called: PREPL DEFICIENCY. Identifiers: MedGen C4479088, MONDO:0044299, OMIM 616224.

Allele frequency attached by ClinVar (database versions not stated): TOPMed 0.00001; gnomAD 0.00001.
gnomAD v4.1: 3 of 1,613,728 alleles (0.00019%); highest among the groups gnomAD compares: African/African-American, 0.0027%; no homozygotes.

Submissions (2):

Ambry Genetics
Classification: Uncertain significance for Inborn genetic diseases. Last evaluated: 2025-11-26. Review status: criteria provided, single submitter. Criteria: Ambry Variant Classification Scheme 2023. Collection method: clinical testing. Allele origin: germline.

Labcorp Genetics (formerly Invitae), Labcorp
Classification: Uncertain significance for Myasthenic syndrome, congenital, 22. Last evaluated: 2022-06-28. Review status: criteria provided, single submitter. Criteria: Invitae Variant Classification Sherloc (09022015). Collection method: clinical testing. Allele origin: germline.
Comment: Algorithms developed to predict the effect of missense changes on protein structure and function are either unavailable or do not agree on the potential impact of this missense change (SIFT: "Deleterious"; PolyPhen-2: "Possibly Damaging"; Align-GVGD: "Class C0"). In summary, the available evidence is currently insufficient to determine the role of this variant in disease. Therefore, it has been classified as a Variant of Uncertain Significance. ClinVar contains an entry for this variant (Variation ID: 844596). This variant has not been reported in the literature in individuals affected with PREPL-related conditions. This variant is not present in population databases (gnomAD no frequency). This sequence change replaces leucine, which is neutral and non-polar, with valine, which is neutral and non-polar, at codon 660 of the PREPL protein (p.Leu660Val).

NM_001171613.2(PREPL):c.1711C>G (p.Leu571Val)

Gene: PREPL (prolyl endopeptidase like; minus strand). Cytogenetic location: 2p21.
Variant type: single nucleotide variant.
Coding change: c.1711C>G on transcript NM_001171613.2 (MANE Select); coding-DNA position 1711, C replaced by G.
Protein change: p.Leu571Val; replaces leucine 571 with valine.
Molecular consequence: missense variant.
Genome position (GRCh38, 1-based): chr2:44,322,773, G>C on the plus strand (C>G on the coding strand, the complement: PREPL is on the minus strand). VCF-style: chr2-44322773-G-C. GRCh37 (hg19) VCF-style: chr2-44549912-G-C.
Other names: c.1978C>G, p.Leu660Val (NM_006036.4, NM_001171603.1, NM_001171606.2 and 2 more transcripts); c.1792C>G, p.Leu598Val (NM_001042385.2); c.1780C>G, p.Leu594Val (NM_001042386.2); c.1711C>G, p.Leu571Val (NM_001171617.1, NM_001374277.1); short protein forms L594V, L598V, L571V, L660V.
Identifiers: ClinVar variation 844596 (VCV000844596.6), dbSNP rs1282041334, ClinGen allele CA346688486.